The following is an entry in ClinVar:

ClinVar aggregate classification (germline): Uncertain significance. Review status: criteria provided, multiple submitters, no conflicts (2 of 4 stars). 2 submissions from 2 submitters: Uncertain significance (2). Last evaluated 2024-01-04.

Conditions:
Inborn genetic diseases. Identifiers: MedGen C0950123, MeSH D030342.

Allele frequency attached by ClinVar (database versions not stated): gnomAD exomes below 0.00001; ExAC 0.00001.

Submissions (2):

Ambry Genetics
Classification: Uncertain significance for Inborn genetic diseases. Last evaluated: 2024-01-04. Review status: criteria provided, single submitter. Criteria: Ambry Variant Classification Scheme 2023. Collection method: clinical testing. Allele origin: germline.

GeneDx
Classification: Uncertain significance. Last evaluated: 2022-06-24. Review status: criteria provided, single submitter. Criteria: GeneDx Variant Classification Process June 2021. Collection method: clinical testing. Allele origin: germline. Affected: yes.
Comment: Not observed at significant frequency in large population cohorts (gnomAD); In silico analysis supports that this missense variant has a deleterious effect on protein structure/function; Has not been previously published as pathogenic or benign to our knowledge

NM_001018115.3(FANCD2):c.1936C>G (p.Pro646Ala)

Genes: FANCD2 (FA complementation group D2; plus strand), LOC107303338 (3p25 FANCD2 Alu-mediated recombination region; plus strand). Cytogenetic location: 3p25.3.
Variant type: single nucleotide variant.
Coding change: c.1936C>G on transcript NM_001018115.3 (MANE Select); coding-DNA position 1936, C replaced by G.
Protein change: p.Pro646Ala; replaces proline 646 with alanine.
Molecular consequence: missense variant.
Genome position (GRCh38, 1-based): chr3:10,063,900, C>G. VCF-style: chr3-10063900-C-G. GRCh37 (hg19) VCF-style: chr3-10105584-C-G.
Other names: c.1936C>G, p.Pro646Ala (NM_001319984.2, NM_001374254.1, NM_033084.6); c.1825C>G, p.Pro609Ala (NM_001374253.1); short protein forms P609A, P646A.
Identifiers: ClinVar variation 1810012 (VCV001810012.2), dbSNP rs755267697, ClinGen allele CA2249876.